The following is an entry in ClinVar:

ClinVar aggregate classification (germline): Benign (1 of 4 stars; one submission).

Allele frequency attached by ClinVar (database versions not stated): TOPMed 0.07600; 1000 Genomes Project 0.07708; 1000 Genomes Project 30x 0.07792; gnomAD 0.08786 and 0.08901.
gnomAD v4.1: 13,523 of 152,192 alleles (8.9%); highest among the groups gnomAD compares: Non-Finnish European, 12%; 783 homozygotes.

Submission:

GeneDx
Classification: Benign. Last evaluated: 2018-06-14. Review status: criteria provided, single submitter. Criteria: GeneDx Variant Classification (06012015). Collection method: clinical testing. Allele origin: germline. Affected: yes.
Comment: This variant is considered likely benign or benign based on one or more of the following criteria: it is a conservative change, it occurs at a poorly conserved position in the protein, it is predicted to be benign by multiple in silico algorithms, and/or has population frequency not consistent with disease.

NM_001377.3(DYNC2H1):c.4128-280A>C

Gene: DYNC2H1 (dynein cytoplasmic 2 heavy chain 1; plus strand). Cytogenetic location: 11q22.3.
Variant type: single nucleotide variant.
Coding change: c.4128-280A>C on transcript NM_001377.3 (MANE Select); 280 bases into the intron before coding-DNA position 4128, A replaced by C.
Molecular consequence: intron variant.
Genome position (GRCh38, 1-based): chr11:103,158,397, A>C. VCF-style: chr11-103158397-A-C. GRCh37 (hg19) VCF-style: chr11-103029126-A-C.
Other names: c.4128-280A>C (NM_001080463.2).
Identifiers: ClinVar variation 669873 (VCV000669873.1), dbSNP rs61898618, ClinGen allele CA13394854.
Genomic context (GRCh38, chr11:103,158,397, plus strand): 5'-TACTTGGGAGGCTGAGGCAGGTGAATGTCAGGAACCCAGGAGGCGGAGTTTGCAGTGAGC[A>C]GAGATTGCGCCACTGCACTCCAGCCTGGGAGACAGAGCGAGACTCCATCTCAAAAAATAA-3'